The following is an entry in ClinVar:

ClinVar aggregate classification (germline): Uncertain significance (1 of 4 stars; one submission).

Conditions:
Diffuse cerebral and cerebellar atrophy - intractable seizures - progressive microcephaly syndrome. Also called: Microcephaly, progressive, with seizures and cerebral and cerebellar atrophy. Identifiers: Orphanet 404437, MedGen C4014239, MONDO:0014335, OMIM 615760.

Allele frequency attached by ClinVar (database versions not stated): TOPMed 0.00002; gnomAD 0.00005; 1000 Genomes Project 30x 0.00016; 1000 Genomes Project 0.00020.
gnomAD v4.1: 11 of 1,614,148 alleles (0.00068%); highest among the groups gnomAD compares: African/African-American, 0.015%; no homozygotes.

Submission:

Labcorp Genetics (formerly Invitae), Labcorp
Classification: Uncertain significance for Diffuse cerebral and cerebellar atrophy - intractable seizures - progressive microcephaly syndrome. Last evaluated: 2022-01-27. Review status: criteria provided, single submitter. Criteria: Invitae Variant Classification Sherloc (09022015). Collection method: clinical testing. Allele origin: germline.
Comment: In summary, the available evidence is currently insufficient to determine the role of this variant in disease. Therefore, it has been classified as a Variant of Uncertain Significance. Algorithms developed to predict the effect of missense changes on protein structure and function are either unavailable or do not agree on the potential impact of this missense change (SIFT: "Tolerated"; PolyPhen-2: "Not Available"; Align-GVGD: "Class C0"). ClinVar contains an entry for this variant (Variation ID: 1021314). This variant is present in population databases (rs527504481, gnomAD 0.02%). This sequence change replaces proline, which is neutral and non-polar, with alanine, which is neutral and non-polar, at codon 704 of the QARS protein (p.Pro704Ala). This variant has not been reported in the literature in individuals affected with QARS-related conditions.

NM_005051.3(QARS1):c.2110C>G (p.Pro704Ala)

Gene: QARS1 (glutaminyl-tRNA synthetase 1; minus strand). Cytogenetic location: 3p21.31.
Variant type: single nucleotide variant.
Coding change: c.2110C>G on transcript NM_005051.3 (MANE Select); coding-DNA position 2110, C replaced by G.
Protein change: p.Pro704Ala; replaces proline 704 with alanine.
Molecular consequence: missense variant. On other transcripts: non-coding transcript variant (1).
Genome position (GRCh38, 1-based): chr3:49,098,233, G>C on the plus strand (C>G on the coding strand, the complement: QARS1 is on the minus strand). VCF-style: chr3-49098233-G-C. GRCh37 (hg19) VCF-style: chr3-49135666-G-C.
Other names: c.2077C>G, p.Pro693Ala (NM_001272073.2); short protein forms P693A, P704A.
Identifiers: ClinVar variation 1021314 (VCV001021314.4), dbSNP rs527504481, ClinGen allele CA2391516.